The following is an entry in ClinVar:

ClinVar aggregate classification (germline): Uncertain significance. Review status: criteria provided, multiple submitters, no conflicts (2 of 4 stars). 2 submissions from 2 submitters: Uncertain significance (2). Last evaluated 2025-03-30.

Allele frequency attached by ClinVar (database versions not stated): gnomAD 0.00002 and 0.00003; gnomAD exomes 0.00002; TOPMed 0.00002.
gnomAD v4.1: 38 of 1,612,854 alleles (0.0024%); highest among the groups gnomAD compares: Non-Finnish European, 0.0031%; no homozygotes.

Submissions (2):

Labcorp Genetics (formerly Invitae), Labcorp
Classification: Uncertain significance. Last evaluated: 2025-03-30. Review status: criteria provided, single submitter. Criteria: Invitae Variant Classification Sherloc (09022015). Collection method: clinical testing. Allele origin: germline.
Comment: This sequence change replaces glutamine, which is neutral and polar, with arginine, which is basic and polar, at codon 40 of the CD81 protein (p.Gln40Arg). This variant is present in population databases (no rsID available, gnomAD 0.003%). This variant has not been reported in the literature in individuals affected with CD81-related conditions. ClinVar contains an entry for this variant (Variation ID: 636761). An algorithm developed to predict the effect of missense changes on protein structure and function (PolyPhen-2) suggests that this variant is likely to be disruptive. In summary, the available evidence is currently insufficient to determine the role of this variant in disease. Therefore, it has been classified as a Variant of Uncertain Significance.

Blueprint Genetics
Classification: Uncertain significance. Last evaluated: 2022-09-15. Review status: criteria provided, single submitter. Criteria: ACMG Guidelines, 2015. Collection method: clinical testing. Allele origin: germline.

NM_004356.4(CD81):c.119A>G (p.Gln40Arg)

Gene: CD81 (CD81 molecule; plus strand). Cytogenetic location: 11p15.5.
Variant type: single nucleotide variant.
Coding change: c.119A>G on transcript NM_004356.4 (MANE Select); coding-DNA position 119, A replaced by G.
Protein change: p.Gln40Arg; replaces glutamine 40 with arginine.
Molecular consequence: missense variant. On other transcripts: 5 prime UTR variant (1).
Genome position (GRCh38, 1-based): chr11:2,390,464, A>G. VCF-style: chr11-2390464-A-G. GRCh37 (hg19) VCF-style: chr11-2411694-A-G.
Other names: c.-95A>G (NM_001297649.2); short protein forms Q40R.
Identifiers: ClinVar variation 636761 (VCV000636761.4), dbSNP rs1438014764, ClinGen allele CA379120605.